The following is an entry in ClinVar:

ClinVar aggregate classification (germline): Conflicting classifications of pathogenicity. Review status: criteria provided, conflicting classifications (1 of 4 stars). 5 submissions from 5 submitters: Uncertain significance (1); Likely benign (4). Last evaluated 2025-10-01.

Conditions:
Hereditary cancer-predisposing syndrome. Also called: Tumor predisposition; Hereditary Cancer Syndrome; Neoplastic Syndromes, Hereditary; Hereditary neoplastic syndrome. Identifiers: Orphanet 140162, MedGen C0027672, MeSH D009386, MONDO:0015356.
Costello syndrome (CSTLO). Also called: FCS SYNDROME; FACIOCUTANEOSKELETAL SYNDROME; HRAS-Related Costello Syndrome. Identifiers: Orphanet 3071, MedGen C0587248, MONDO:0009026, OMIM 218040.

Allele frequency attached by ClinVar (database versions not stated): ExAC 0.00001; gnomAD 0.00001; gnomAD exomes 0.00001 and 0.00002; TOPMed 0.00002.
gnomAD v4.1: 8 of 1,613,104 alleles (0.0005%); highest among the groups gnomAD compares: Admixed American, 0.013%; no homozygotes.

Submissions (5):

CeGaT Center for Human Genetics Tuebingen
Classification: Likely benign. Last evaluated: 2025-10-01. Review status: criteria provided, single submitter. Criteria: CeGaT Center For Human Genetics Tuebingen Variant Classification Criteria Version 2. Collection method: clinical testing. Allele origin: germline. Affected: yes. Observed: 1 variant allele.
Comment: HRAS: BP4, BP7

Labcorp Genetics (formerly Invitae), Labcorp
Classification: Likely benign for Costello syndrome. Last evaluated: 2025-09-02. Review status: criteria provided, single submitter. Criteria: Invitae Variant Classification Sherloc (09022015). Collection method: clinical testing. Allele origin: germline.

Blueprint Genetics
Classification: Likely benign. Last evaluated: 2023-11-27. Review status: criteria provided, single submitter. Criteria: ACMG Guidelines, 2015. Collection method: clinical testing. Allele origin: germline.

Sema4
Classification: Uncertain significance for Hereditary cancer-predisposing syndrome. Last evaluated: 2022-03-04. Review status: criteria provided, single submitter. Criteria: Sema4 Curation Guidelines. Collection method: curation. Allele origin: germline.
Comment: To the best of our knowledge, the HRAS c.171T>C (p.D57=) variant has not been reported in individuals with HRAS-related disease. This variant was observed in 6/34586 chromosomes in the Latino population according to the Genome Aggregation Database (PMID: 32461654). This variant has been reported in ClinVar (Variation ID: 259746). The nucleotide is moderately conserved and in silico tools suggest that the variant does not affect the splicing of the exon, though these predictions have not been confirmed by functional studies. The evidence is insufficient to meet ACMG/AMP criteria for classifying the variant as benign or pathogenic. Thus, the clinical significance of this variant is currently uncertain.

PreventionGenetics, part of Exact Sciences
Classification: Likely benign. Review status: criteria provided, single submitter. Criteria: ACMG Guidelines, 2015. Collection method: clinical testing. Allele origin: germline.

NM_005343.4(HRAS):c.171T>C (p.Asp57=)

Genes: HRAS (HRas proto-oncogene, GTPase; minus strand), LRRC56 (leucine rich repeat containing 56; plus strand). Cytogenetic location: 11p15.5.
Variant type: single nucleotide variant.
Coding change: c.171T>C on transcript NM_005343.4 (MANE Select); coding-DNA position 171, T replaced by C.
Protein change: p.Asp57=; no amino-acid change (aspartic acid 57 retained).
Molecular consequence: synonymous variant. On other transcripts: 5 prime UTR variant (1).
Genome position (GRCh38, 1-based): chr11:533,885, A>G on the plus strand (T>C on the coding strand, the complement: HRAS is on the minus strand). VCF-style: chr11-533885-A-G. GRCh37 (hg19) VCF-style: chr11-533885-A-G.
Other names: c.171T>C, p.Asp57= (NM_001130442.3, NM_176795.5); c.-149T>C (NM_001318054.2).
Identifiers: ClinVar variation 259746 (VCV000259746.21), dbSNP rs776105083, ClinGen allele CA5779392.